The following is an entry in ClinVar:

ClinVar aggregate classification (germline): Uncertain significance (1 of 4 stars; one submission).

Conditions:
Familial thoracic aortic aneurysm and aortic dissection (TAAD). Also called: Thoracic aortic aneurysms and dissections. Identifiers: Orphanet 91387, MedGen C4707243, MONDO:0019625.

Allele frequency attached by ClinVar (database versions not stated): TOPMed below 0.00001.

Submission:

Color Diagnostics, LLC DBA Color Health
Classification: Uncertain significance for Familial thoracic aortic aneurysm and aortic dissection. Last evaluated: 2024-03-07. Review status: criteria provided, single submitter. Criteria: ACMG Guidelines, 2015. Collection method: clinical testing. Allele origin: germline.
Comment: This missense variant replaces glutamine with histidine at codon 290 of the TGFBR2 protein. Computational prediction tool suggests that this variant may not impact protein structure and function (internally defined REVEL score threshold <=0.5, PMID: 27666373). Splice site prediction tools suggest that this variant may not impact RNA splicing. To our knowledge, functional studies have not been performed for this variant. This variant has not been reported in individuals affected with cardiovascular disorders in the literature. This variant has not been identified in the general population by the Genome Aggregation Database (gnomAD). The available evidence is insufficient to determine the role of this variant in disease conclusively. Therefore, this variant is classified as a Variant of Uncertain Significance.

NM_003242.6(TGFBR2):c.795G>T (p.Gln265His)

Gene: TGFBR2 (transforming growth factor beta receptor 2; plus strand). Cytogenetic location: 3p24.1.
Variant type: single nucleotide variant.
Coding change: c.795G>T on transcript NM_003242.6 (MANE Select); coding-DNA position 795, G replaced by T.
Protein change: p.Gln265His; replaces glutamine 265 with histidine.
Molecular consequence: missense variant.
Genome position (GRCh38, 1-based): chr3:30,671,978, G>T. VCF-style: chr3-30671978-G-T. GRCh37 (hg19) VCF-style: chr3-30713470-G-T.
Other names: c.870G>T, p.Gln290His (NM_001024847.3); c.978G>T, p.Gln326His (NM_001407126.1); c.903G>T, p.Gln301His (NM_001407127.1); c.822G>T, p.Gln274His (NM_001407128.1); c.798G>T, p.Gln266His (NM_001407129.1); c.795G>T, p.Gln265His (NM_001407130.1); c.690G>T, p.Gln230His (NM_001407132.1, NM_001407133.1, NM_001407134.1 and 2 more transcripts); c.510G>T, p.Gln170His (NM_001407137.1); and 1 more; short protein forms Q290H, Q265H, Q274H, Q230H, Q266H, Q145H, Q170H, Q301H.
Identifiers: ClinVar variation 918583 (VCV000918583.5), dbSNP rs1412125264, ClinGen allele CA351807886.